The following is an entry in ClinVar:

NM_001042492.3(NF1):c.5561T>C (p.Leu1854Pro)

Gene: NF1 (neurofibromin 1; plus strand). Cytogenetic location: 17q11.2.
Variant type: single nucleotide variant.
Coding change: c.5561T>C on transcript NM_001042492.3 (MANE Select); coding-DNA position 5561, T replaced by C.
Protein change: p.Leu1854Pro; replaces leucine 1854 with proline.
Molecular consequence: missense variant.
Genome position (GRCh38, 1-based): chr17:31,327,791, T>C. VCF-style: chr17-31327791-T-C. GRCh37 (hg19) VCF-style: chr17-29654809-T-C.
Other names: c.5498T>C, p.Leu1833Pro (NM_000267.4); short protein forms L1833P, L1854P.
Identifiers: ClinVar variation 1493460 (VCV001493460.8), dbSNP rs878853903, ClinGen allele CA399009915.

ClinVar aggregate classification (germline): Likely pathogenic (1 of 4 stars; one submission).

Conditions:
Neurofibromatosis, type 1 (NF1). Also called: NEUROFIBROMATOSIS, TYPE I, SOMATIC; Neurofibromatosis, type I; VON RECKLINGHAUSEN DISEASE; Peripheral type neurofibromatosis. Identifiers: Orphanet 636, MedGen C0027831, MONDO:0018975, OMIM 162200. Disease mechanism: loss of function.

Allele frequency attached by ClinVar (database versions not stated): gnomAD exomes below 0.00001.
gnomAD v4.1: 1 of 1,614,216 alleles (0.000062%); highest among the groups gnomAD compares: Non-Finnish European, 0.000085%; no homozygotes.

Submission:

Labcorp Genetics (formerly Invitae), Labcorp
Classification: Likely pathogenic for Neurofibromatosis, type 1. Last evaluated: 2024-12-23. Review status: criteria provided, single submitter. Criteria: Invitae Variant Classification Sherloc (09022015). Collection method: clinical testing. Allele origin: germline.
Comment: This sequence change replaces leucine, which is neutral and non-polar, with proline, which is neutral and non-polar, at codon 1833 of the NF1 protein (p.Leu1833Pro). This variant is not present in population databases (gnomAD no frequency). This missense change has been observed in individual(s) with clinical features of neurofibromatosis type 1 (PMID: 24789688, 34418705). ClinVar contains an entry for this variant (Variation ID: 1493460). Invitae Evidence Modeling of protein sequence and biophysical properties (such as structural, functional, and spatial information, amino acid conservation, physicochemical variation, residue mobility, and thermodynamic stability) indicates that this missense variant is expected to disrupt NF1 protein function with a positive predictive value of 95%. This variant disrupts the p.Leu1833 amino acid residue in NF1. Other variant(s) that disrupt this residue have been determined to be pathogenic (internal data). This suggests that this residue is clinically significant, and that variants that disrupt this residue are likely to be disease-causing. In summary, the currently available evidence indicates that the variant is pathogenic, but additional data are needed to prove that conclusively. Therefore, this variant has been classified as Likely Pathogenic.

Literature cited by the submitters: PubMed 24789688; PubMed 34418705.